The following is an entry in ClinVar:

NM_198252.3(GSN):c.434G>A (p.Arg145His)

Gene: GSN (gelsolin; plus strand). Cytogenetic location: 9q33.2.
Variant type: single nucleotide variant.
Coding change: c.434G>A on transcript NM_198252.3 (MANE Select); coding-DNA position 434, G replaced by A.
Protein change: p.Arg145His; replaces arginine 145 with histidine.
Molecular consequence: missense variant. On other transcripts: 5 prime UTR variant (1).
Genome position (GRCh38, 1-based): chr9:121,310,766, G>A. VCF-style: chr9-121310766-G-A. GRCh37 (hg19) VCF-style: chr9-124073044-G-A.
Other names: c.587G>A, p.Arg196His (NM_000177.5); c.434G>A, p.Arg145His (NM_001127662.2, NM_001127664.2, NM_001127665.2 and 10 more transcripts); c.542G>A, p.Arg181His (NM_001127663.2); c.467G>A, p.Arg156His (NM_001127666.2, NM_001127667.2, NM_001353063.2 and 13 more transcripts); c.485G>A, p.Arg162His (NM_001258029.2); c.458G>A, p.Arg153His (NM_001258030.2); c.506G>A, p.Arg169His (NM_001353076.2); c.-221G>A (NM_001353078.2); short protein forms R145H, R156H, R162H, R196H, R153H, R169H, R181H.
Identifiers: ClinVar variation 1440711 (VCV001440711.9), dbSNP rs141314418, ClinGen allele CA5220891.

ClinVar aggregate classification (germline): Conflicting classifications of pathogenicity. Review status: criteria provided, conflicting classifications (1 of 4 stars). 3 submissions from 3 submitters: Uncertain significance (1); Likely benign (2). Last evaluated 2025-12-02.

Conditions:
Inborn genetic diseases. Identifiers: MedGen C0950123, MeSH D030342.
Finnish type amyloidosis. Also called: Amyloidosis, familial, Finnish type; Meretoja type amyloidosis; Amyloidosis 5; AMYLOIDOSIS, HEREDITARY SYSTEMIC 4, FINNISH TYPE; AMYLOID CRANIAL NEUROPATHY WITH LATTICE CORNEAL DYSTROPHY; AMYLOIDOSIS DUE TO MUTANT GELSOLIN. Identifiers: Orphanet 85448, MedGen C1622345, MONDO:0007097, OMIM 105120.

Allele frequency attached by ClinVar (database versions not stated): ESP Exome Variant Server 0.00015; 1000 Genomes Project 30x 0.00016; 1000 Genomes Project 0.00020.
gnomAD v4.1: 126 of 1,614,098 alleles (0.0078%); highest among the groups gnomAD compares: Middle Eastern, 0.083%; no homozygotes.

Submissions (3):

Labcorp Genetics (formerly Invitae), Labcorp
Classification: Uncertain significance. Last evaluated: 2025-12-02. Review status: criteria provided, single submitter. Criteria: Invitae Variant Classification Sherloc (09022015). Collection method: clinical testing. Allele origin: germline.
Comment: This sequence change replaces arginine, which is basic and polar, with histidine, which is basic and polar, at codon 196 of the GSN protein (p.Arg196His). This variant is present in population databases (rs141314418, gnomAD 0.03%). This variant has not been reported in the literature in individuals affected with GSN-related conditions. ClinVar contains an entry for this variant (Variation ID: 1440711). Invitae Evidence Modeling of protein sequence and biophysical properties (such as structural, functional, and spatial information, amino acid conservation, physicochemical variation, residue mobility, and thermodynamic stability) indicates that this missense variant is not expected to disrupt GSN protein function with a negative predictive value of 80%. In summary, the available evidence is currently insufficient to determine the role of this variant in disease. Therefore, it has been classified as a Variant of Uncertain Significance.

Fulgent Genetics
Classification: Likely benign for Finnish type amyloidosis. Last evaluated: 2024-02-03. Review status: criteria provided, single submitter. Criteria: ACMG Guidelines, 2015. Collection method: clinical testing. Allele origin: germline.

Ambry Genetics
Classification: Likely benign for Inborn genetic diseases. Last evaluated: 2021-07-13. Review status: criteria provided, single submitter. Criteria: Ambry Variant Classification Scheme 2023. Collection method: clinical testing. Allele origin: germline.